The following is an entry in ClinVar:

NM_007294.4(BRCA1):c.5468-2A>G

Gene: BRCA1 (BRCA1 DNA repair associated; minus strand). Cytogenetic location: 17q21.31.
Variant type: single nucleotide variant.
Coding change: c.5468-2A>G on transcript NM_007294.4 (MANE Select); the canonical splice acceptor site of the intron before coding-DNA position 5468, A replaced by G.
Molecular consequence: splice acceptor variant.
Genome position (GRCh38, 1-based): chr17:43,045,804, T>C on the plus strand (A>G on the coding strand, the complement: BRCA1 is on the minus strand). VCF-style: chr17-43045804-T-C. GRCh37 (hg19) VCF-style: chr17-41197821-T-C.
Other names: IVS23-2A>G; c.2033-2A>G (NM_001408442.1, NM_001408436.1, NM_001408432.1 and 10 more transcripts); c.2036-2A>G (NM_001408426.1, NM_001408430.1, NM_001408427.1 and 4 more transcripts); c.2156-2A>G (NM_001407982.1, NM_001407980.1, NM_001407993.1 and 10 more transcripts); c.2225-2A>G (NM_001407970.1, NM_001407971.1); c.5465-2A>G (NM_001407621.1, NM_001407613.1, NM_001407618.1 and 14 more transcripts); c.5468-2A>G (NM_001407593.1, NM_001407603.1, NM_001407598.1 and 5 more transcripts); c.5084-2A>G (NM_001407962.1, NM_001407960.1); and 84 more.
Identifiers: ClinVar variation 91653 (VCV000091653.38), dbSNP rs398122699, ClinGen allele CA003625.
Genomic context (GRCh38, chr17:43,045,804, plus strand): 5'-TACACTGTCCAACACCCACTCTCGGGTCACCACAGGTGCCTCACACATCTGCCCAATTGC[T>C]GGAGACAGAGAACACAAGCAGAGATTAGTGTCAATTCATTCTCCTGGACTAGGCTCTAAT-3'

ClinVar aggregate classification (germline): Pathogenic. Review status: criteria provided, multiple submitters, no conflicts (2 of 4 stars). 6 submissions from 6 submitters: Pathogenic (3). 3 of the submissions do not count toward it. Last evaluated 2025-03-26.

Conditions:
Breast-ovarian cancer, familial, susceptibility to, 1 (BROVCA1). Also called: BRCA1 Hereditary Breast and Ovarian Cancer; OVARIAN CANCER, SUSCEPTIBILITY TO. Identifiers: Orphanet 145, MedGen C2676676, MONDO:0011450, OMIM 604370. Disease mechanism: loss of function.
Hereditary cancer-predisposing syndrome. Also called: Hereditary Cancer Syndrome; Neoplastic Syndromes, Hereditary; Hereditary neoplastic syndrome; Tumor predisposition. Identifiers: Orphanet 140162, MedGen C0027672, MeSH D009386, MONDO:0015356.
Hereditary breast ovarian cancer syndrome. Also called: Hereditary breast and/or ovarian cancer syndrome; Hereditary breast and ovarian cancer syndrome; Hereditary breast and ovarian cancer; Hereditary breast and ovarian cancer syndrome (HBOC); Breast and ovarian cancer; BRCA1- and BRCA2-Associated Hereditary Breast and Ovarian Cancer. Identifiers: Orphanet 145, MedGen C0677776, MeSH D061325, MONDO:0003582. Disease mechanism: loss of function.

Submissions (7):

Ambry Genetics
Classification: Pathogenic for Hereditary cancer-predisposing syndrome. Last evaluated: 2025-03-26. Review status: criteria provided, single submitter. Criteria: Ambry Variant Classification Scheme 2023. Collection method: clinical testing. Allele origin: germline.
Comment: The c.5468-2A>G intronic pathogenic mutation results from an A to G substitution two nucleotides upstream from coding exon 22 in the BRCA1 gene. This alteration has been reported in multiple individuals from a worldwide study of 29,700 families with BRCA1 or BRCA2 mutations (Rebbeck TR et al. Hum. Mutat., 2018 May;39:593-620). One functional study found that this nucleotide substitution is deleterious in a high throughput genome editing haploid cell survival assay (Findlay GM et al. Nature, 2018 10;562:217-222). A close match alteration at this acceptor site, BRCA1 c.5468-1G>A was shown to make use of a cryptic acceptor site 11nt downstream (Baert A et al. Hum. Mutat., 2018 04;39:515-526). This nucleotide position is highly conserved in available vertebrate species. In silico splice site analysis predicts that this alteration will weaken the native splice acceptor site and will result in the creation or strengthening of a novel splice acceptor site; however, direct evidence is insufficient at this time (Ambry internal data). Alterations that disrupt the canonical splice site are expected to cause aberrant splicing. This alteration occurs at the 3' terminus of the BRCA1 gene, is not expected to trigger nonsense-mediated mRNA decay, however, the region predicted to be impacted is critical for protein function (Ambry internal data). Based on the supporting evidence, this variant is interpreted as a disease-causing mutation.

Labcorp Genetics (formerly Invitae), Labcorp
Classification: Pathogenic for Hereditary breast ovarian cancer syndrome. Last evaluated: 2022-09-27. Review status: criteria provided, single submitter. Criteria: Invitae Variant Classification Sherloc (09022015). Collection method: clinical testing. Allele origin: germline.
Comment: This variant is not present in population databases (gnomAD no frequency). This sequence change affects an acceptor splice site in intron 22 of the BRCA1 gene. While this variant is not anticipated to result in nonsense mediated decay, it likely alters RNA splicing and results in a disrupted protein product. Disruption of this splice site has been observed in individual(s) with hereditary breast and ovarian cancer syndrome (PMID: 26028024). In at least one individual the variant was observed to be de novo. For these reasons, this variant has been classified as Pathogenic. Variants that disrupt the consensus splice site are a relatively common cause of aberrant splicing (PMID: 17576681, 9536098). Algorithms developed to predict the effect of sequence changes on RNA splicing suggest that this variant may disrupt the consensus splice site. ClinVar contains an entry for this variant (Variation ID: 91653).

Consortium of Investigators of Modifiers of BRCA1/2 (CIMBA), c/o University of Cambridge
Classification: Pathogenic for Breast-ovarian cancer, familial, susceptibility to, 1. Last evaluated: 2015-10-02. Review status: criteria provided, single submitter. Criteria: CIMBA Mutation Classification guidelines May 2016. Collection method: clinical testing. Allele origin: germline.

BRCAlab, Lund University
Classification: Likely pathogenic for Breast-ovarian cancer, familial, susceptibility to, 1. Last evaluated: 2022-08-26. Review status: no assertion criteria provided. Collection method: clinical testing. Allele origin: germline. Affected: yes. Not counted in ClinVar's aggregate classification.

Sharing Clinical Reports Project (SCRP)
Classification: Likely pathogenic for Breast-ovarian cancer, familial 1. Last evaluated: 2009-11-09. Review status: no assertion criteria provided. Collection method: clinical testing. Allele origin: germline. Not counted in ClinVar's aggregate classification.

Brotman Baty Institute, University of Washington
No classification provided (evidence only). Condition: Breast-ovarian cancer, familial 1. Review status: no classification provided. Collection method: in vitro. Allele origin: not applicable. Functional consequence: functionally_abnormal. Not counted in ClinVar's aggregate classification.
ClinVar note: "not provided" was previously submitted as the classification for the variant. However, the classification appeared to be based only on an observation of functional data so it was converted to no classification on 2025-07-30.

Department of Pathology and Laboratory Medicine, Sinai Health System
Classification: Likely pathogenic for Breast-ovarian cancer, familial, susceptibility to, 1. Review status: no assertion criteria provided. Collection method: clinical testing. Allele origin: unknown. Affected: yes. Study: The Canadian Open Genetics Repository (COGR). Not counted in ClinVar's aggregate classification.
Comment: The BRCA1 c.5468-2A>G variant was identified in 3 of 83182 proband chromosomes (frequency: 0.00004) from individuals or families with breast or ovarian cancer (Golmard 2016, Rebbeck 2018). The variant was also identified in dbSNP (ID: rs398122699) as "With Pathogenic, other allele", in ClinVar (classified as pathogenic by CIMBA; as likely pathogenic by Invitae and SCRP), and in LOVD 3.0 (2x as pathogenic). The variant was not identified in UMD-LSDB, database. The variant was not identified in the Genome Aggregation Database (Feb 27, 2017). The c.5468-2A>G variant is predicted to cause abnormal splicing because the nucleotide substitution occurs in the invariant region of the splice consensus sequence. In addition, 4 of 4 in silico or computational prediction software programs (SpliceSiteFinder, MaxEntScan, NNSPLICE, GeneSplicer) predict a greater than 10% difference in splicing. In summary, based on the above information the clinical significance of this variant cannot be determined with certainty at this time although we would lean towards a more pathogenic role for this variant. This variant is classified as likely pathogenic.

Literature cited by the submitters: PubMed 26028024 (cited by Ambry Genetics and Labcorp Genetics (formerly Invitae), Labcorp); PubMed 29280214 (cited by Ambry Genetics); PubMed 29446198 (cited by Ambry Genetics); PubMed 30078507 (cited by Ambry Genetics); PubMed 30209399 (cited by Ambry Genetics); PubMed 17576681 (cited by Labcorp Genetics (formerly Invitae), Labcorp); PubMed 9536098 (cited by Labcorp Genetics (formerly Invitae), Labcorp).